The following is an entry in ClinVar:

ClinVar aggregate classification (germline): Uncertain significance (1 of 4 stars; one submission).

Conditions:
Frank-Ter Haar syndrome. Also called: TER HAAR SYNDROME; MELNICK-NEEDLES SYNDROME, AUTOSOMAL RECESSIVE; BORRONE DERMATOCARDIOSKELETAL SYNDROME; Borrone di Rocco Crovato syndrome. Identifiers: Orphanet 1266, Orphanet 137834, MedGen C1855305, MONDO:0009579, OMIM 249420.

Submission:

Department of Molecular Genetics, Istishari Arab Hospital
Classification: Uncertain significance for Frank-Ter Haar syndrome. Last evaluated: 2025-07-23. Review status: criteria provided, single submitter. Criteria: ACMG Guidelines, 2015. Collection method: clinical testing. Allele origin: germline. Inheritance: Autosomal recessive inheritance. Affected: yes.
Comment: The SH3PXD2B variant c.2072del, p.Gly691Alafs*160 creates a shift in the reading frame at position 691 resulting in introduction of a premature termination codon 160 amino acids downstream in exon 13 (out of 13). As the variant is located in the last exon, it is not predicted to trigger nonsense-mediated mRNA decay (NMD). No pathogenic or likely pathogenic variants have been reported downstream of this position. To the best of our knowledge, this variant was not previously reported in literature. It is classified as variant of uncertain significant according to the recommendations of ACMG/AMP/ClinGen SVI guidelines.

NM_001017995.3(SH3PXD2B):c.2072del (p.Gly691fs)

Gene: SH3PXD2B (SH3 and PX domains 2B; minus strand). Cytogenetic location: 5q35.1.
Variant type: Deletion.
Coding change: c.2072del on transcript NM_001017995.3 (MANE Select); coding-DNA position 2072, one base deleted (G; older notation c.2072delG).
Protein change: p.Gly691fs; shifts the reading frame from glycine 691.
Molecular consequence: frameshift variant. On other transcripts: intron variant (1).
Genome position (GRCh38, 1-based): chr5:172,339,033, C deleted on the plus strand (G on the coding strand, the reverse complement: SH3PXD2B is on the minus strand); the first of 5 consecutive C bases (chr5:172,339,033-172,339,037); deleting any one gives the same sequence. VCF-style (leftmost placement, unchanged base first): chr5-172339032-GC-G. GRCh37 (hg19) VCF-style: chr5-171766036-GC-G.
Other names: p.Gly691Alafs*160; c.1188+7103del (NM_001308175.2); short protein forms G691fs.
Identifiers: ClinVar variation 4072359 (VCV004072359.1).